The following is an entry in ClinVar:

ClinVar aggregate classification (germline): Conflicting classifications of pathogenicity. Review status: criteria provided, conflicting classifications (1 of 4 stars). 2 submissions from 2 submitters: Uncertain significance (1); Likely benign (1). Last evaluated 2023-04-26.

Conditions:
Inborn genetic diseases. Identifiers: MedGen C0950123, MeSH D030342.
Dyskeratosis congenita. Identifiers: Orphanet 1775, MedGen C0265965, MONDO:0015780.

gnomAD v4.1: 1 of 1,612,562 alleles (0.000062%); highest among the groups gnomAD compares: Non-Finnish European, 0.000085%; no homozygotes.

Submissions (2):

Ambry Genetics
Classification: Likely benign for Inborn genetic diseases. Last evaluated: 2023-04-26. Review status: criteria provided, single submitter. Criteria: Ambry Variant Classification Scheme 2023. Collection method: clinical testing. Allele origin: germline.

Labcorp Genetics (formerly Invitae), Labcorp
Classification: Uncertain significance for Dyskeratosis congenita. Last evaluated: 2022-07-15. Review status: criteria provided, single submitter. Criteria: Invitae Variant Classification Sherloc (09022015). Collection method: clinical testing. Allele origin: germline.
Comment: In summary, the available evidence is currently insufficient to determine the role of this variant in disease. Therefore, it has been classified as a Variant of Uncertain Significance. Algorithms developed to predict the effect of missense changes on protein structure and function output the following: SIFT: "Tolerated"; PolyPhen-2: "Benign"; Align-GVGD: "Class C0". The asparagine amino acid residue is found in multiple mammalian species, which suggests that this missense change does not adversely affect protein function. This variant has not been reported in the literature in individuals affected with CTC1-related conditions. This variant is not present in population databases (gnomAD no frequency). This sequence change replaces serine, which is neutral and polar, with asparagine, which is neutral and polar, at codon 499 of the CTC1 protein (p.Ser499Asn).

NM_025099.6(CTC1):c.1496G>A (p.Ser499Asn)

Gene: CTC1 (CST telomere replication complex component 1; minus strand). Cytogenetic location: 17p13.1.
Variant type: single nucleotide variant.
Coding change: c.1496G>A on transcript NM_025099.6 (MANE Select); coding-DNA position 1496, G replaced by A.
Protein change: p.Ser499Asn; replaces serine 499 with asparagine.
Molecular consequence: missense variant. On other transcripts: non-coding transcript variant (1).
Genome position (GRCh38, 1-based): chr17:8,234,870, C>T on the plus strand (G>A on the coding strand, the complement: CTC1 is on the minus strand). VCF-style: chr17-8234870-C-T. GRCh37 (hg19) VCF-style: chr17-8138188-C-T.
Other names: c.1496G>A (NM_025099.5); c.1496G>A, p.Ser499Asn (NM_001411067.1); short protein forms S499N.
Identifiers: ClinVar variation 1917954 (VCV001917954.6), dbSNP rs765406506, ClinGen allele CA397984193.